The following is an entry in ClinVar:

NM_000053.4(ATP7B):c.1947-6T>C

Gene: ATP7B (ATPase copper transporting beta; minus strand). Cytogenetic location: 13q14.3.
Variant type: single nucleotide variant.
Coding change: c.1947-6T>C on transcript NM_000053.4 (MANE Select); 6 bases into the intron before coding-DNA position 1947, T replaced by C.
Molecular consequence: intron variant.
Genome position (GRCh38, 1-based): chr13:51,960,328, A>G on the plus strand (T>C on the coding strand, the complement: ATP7B is on the minus strand). VCF-style: chr13-51960328-A-G. GRCh37 (hg19) VCF-style: chr13-52534464-A-G.
Other names: c.1518-6T>C (NM_001406539.1); c.1774-2721T>C (NM_001406544.1); c.1851-6T>C (NM_001406536.1, NM_001406530.1, NM_001406517.1 and 1 more transcripts); c.1870-2721T>C (NM_001406541.1, NM_001005918.3, NM_001406546.1 and 1 more transcripts); c.1870-1784T>C (NM_001406531.1, NM_001406532.1, NM_001406540.1 and 1 more transcripts); c.1947-6T>C (NM_001406527.1, NM_001406537.1, NM_001406521.1 and 16 more transcripts); c.1774-1784T>C (NM_001406543.1); c.1614-6T>C (NM_001243182.2); and 3 more.
Identifiers: ClinVar variation 3073496 (VCV003073496.1), dbSNP rs2547725917, ClinGen allele CA2825002202.

ClinVar aggregate classification (germline): Likely benign (1 of 4 stars; one submission).

Conditions:
Wilson disease (WND). Also called: Wilson's disease. Identifiers: Orphanet 905, MedGen C0019202, MONDO:0010200, OMIM 277900. Disease mechanism: loss of function.

Submission:

All of Us Research Program, National Institutes of Health
Classification: Likely benign for Wilson disease. Last evaluated: 2023-09-17. Review status: criteria provided, single submitter. Criteria: ACMG Guidelines, 2015. Collection method: clinical testing. Allele origin: germline. Inheritance: Autosomal recessive inheritance. Observed: 1 variant allele, 1 heterozygote.
Comment: This study involves interpretation of variants in research participants for the purpose of population health screening. Participant phenotype was not available at the time of variant classification. Additional details can be found in publication PMID: 35346344, PMCID: PMC8962531